The following is an entry in ClinVar:

NM_173660.5(DOK7):c.957del (p.Lys320fs)

Gene: DOK7 (docking protein 7; plus strand). Cytogenetic location: 4p16.3.
Variant type: Deletion.
Coding change: c.957del on transcript NM_173660.5 (MANE Select); coding-DNA position 957, one base deleted (C; older notation c.957delC).
Protein change: p.Lys320fs; shifts the reading frame from lysine 320.
Molecular consequence: frameshift variant. On other transcripts: 3 prime UTR variant (1).
Genome position (GRCh38, 1-based): chr4:3,492,943, C deleted; the last of 6 consecutive C bases (chr4:3,492,938-3,492,943); deleting any one gives the same sequence. VCF-style (leftmost placement, unchanged base first): chr4-3492937-AC-A. GRCh37 (hg19) VCF-style: chr4-3494664-AC-A.
Other names: 1-BP DEL, 957C; c.*178del (NM_001164673.2); c.27del, p.Lys10fs (NM_001256896.2); c.957del, p.Lys320fs (NM_001301071.2); c.525del, p.Lys176fs (NM_001363811.2); short protein forms K176fs, K320fs, K10fs.
Identifiers: ClinVar variation 198626 (VCV000198626.14), dbSNP rs794727884, ClinGen allele CA275408.

ClinVar aggregate classification (germline): Pathogenic. Review status: criteria provided, multiple submitters, no conflicts (2 of 4 stars). 3 submissions from 3 submitters: Pathogenic (2). 1 of the submissions does not count toward it. Last evaluated 2025-05-12.

Conditions:
Fetal akinesia deformation sequence 1 (FADS1). Also called: Pena-Shokeir syndrome type I; Fetal akinesia sequence. Identifiers: Orphanet 994, MedGen C1276035, MONDO:0100101, OMIM 208150, HP:0001989.
Congenital myasthenic syndrome 10. Also called: Myasthenia, limb-girdle, familial. Identifiers: Orphanet 590, MedGen C1850792, MONDO:0009690, OMIM 254300.

Submissions (3):

Labcorp Genetics (formerly Invitae), Labcorp
Classification: Pathogenic for Congenital myasthenic syndrome 10; Fetal akinesia deformation sequence 1. Last evaluated: 2025-05-12. Review status: criteria provided, single submitter. Criteria: Invitae Variant Classification Sherloc (09022015). Collection method: clinical testing. Allele origin: germline.
Comment: This sequence change creates a premature translational stop signal (p.Lys320Serfs*136) in the DOK7 gene. While this is not anticipated to result in nonsense mediated decay, it is expected to disrupt the last 185 amino acid(s) of the DOK7 protein. This variant is not present in population databases (gnomAD no frequency). This premature translational stop signal has been observed in individuals with congenital myasthenic syndrome (PMID: 22884442, 28024842). It has also been observed to segregate with disease in related individuals. ClinVar contains an entry for this variant (Variation ID: 198626). This variant disrupts the C-terminus of the DOK7 protein. Other variant(s) that disrupt this region (p.Cys412*, p.Gly479Hisfs*13, p.Gln460*) have been observed in individuals with DOK7-related conditions (PMID: 20012313, 20458068, 28716243). This suggests that this may be a clinically significant region of the protein. For these reasons, this variant has been classified as Pathogenic.

Eurofins Ntd Llc (ga)
Classification: Pathogenic. Last evaluated: 2015-01-22. Review status: criteria provided, single submitter. Criteria: EGL Classification Definitions 2015. Collection method: clinical testing. Allele origin: germline. Observed: 1 variant allele, 1 homozygote.

OMIM
Classification: Pathogenic for MYASTHENIC SYNDROME, CONGENITAL, 10. Last evaluated: 1992-01-01. Review status: no assertion criteria provided. Collection method: literature only. Allele origin: germline. Not counted in ClinVar's aggregate classification.

Literature cited by the submitters: PubMed 22884442 (cited by Labcorp Genetics (formerly Invitae), Labcorp and OMIM); PubMed 28024842 (cited by Labcorp Genetics (formerly Invitae), Labcorp and OMIM); PubMed 20012313 (cited by Labcorp Genetics (formerly Invitae), Labcorp); PubMed 20458068 (cited by Labcorp Genetics (formerly Invitae), Labcorp); PubMed 28716243 (cited by Labcorp Genetics (formerly Invitae), Labcorp); PubMed 1483054 (cited by OMIM); PubMed 10222457 (cited by OMIM).